The following is an entry in ClinVar:

ClinVar aggregate classification (germline): Uncertain significance. Review status: criteria provided, multiple submitters, no conflicts (2 of 4 stars). 4 submissions from 4 submitters: Uncertain significance (4). Last evaluated 2025-10-27.

Conditions:
Hereditary cancer-predisposing syndrome. Also called: Neoplastic Syndromes, Hereditary; Tumor predisposition; Hereditary Cancer Syndrome; Hereditary neoplastic syndrome. Identifiers: Orphanet 140162, MedGen C0027672, MeSH D009386, MONDO:0015356.
Melanoma, cutaneous malignant, susceptibility to, 8. Also called: MELANOMA AND RENAL CELL CARCINOMA, SUSCEPTIBILITY TO; Cutaneous malignant melanoma 8. Identifiers: Orphanet 293822, MedGen C3152204, MONDO:0013759, OMIM 614456.
Tietz syndrome (TADS). Also called: HYPOPIGMENTATION/DEAFNESS OF TIETZ; TIETZ ALBINISM-DEAFNESS SYNDROME; ALBINISM-DEAFNESS OF TIETZ. Identifiers: Orphanet 42665, MedGen C0391816, MONDO:0007077, OMIM 103500.
Waardenburg syndrome type 2A (WS2A). Also called: WAARDENBURG SYNDROME WITHOUT DYSTOPIA CANTHORUM. Identifiers: Orphanet 3440, MedGen C1860339, MONDO:0008671, OMIM 193510.

gnomAD v4.1: 15 of 1,613,900 alleles (0.00093%); highest among the groups gnomAD compares: Admixed American, 0.0017%; no homozygotes.

Submissions (4):

Labcorp Genetics (formerly Invitae), Labcorp
Classification: Uncertain significance for Melanoma, cutaneous malignant, susceptibility to, 8; Waardenburg syndrome type 2A; Tietz syndrome. Last evaluated: 2025-10-27. Review status: criteria provided, single submitter. Criteria: Invitae Variant Classification Sherloc (09022015). Collection method: clinical testing. Allele origin: germline.
Comment: This sequence change replaces valine, which is neutral and non-polar, with leucine, which is neutral and non-polar, at codon 386 of the MITF protein (p.Val386Leu). This variant is present in population databases (no rsID available, gnomAD 0.003%). This variant has not been reported in the literature in individuals affected with MITF-related conditions. ClinVar contains an entry for this variant (Variation ID: 1973732). Invitae Evidence Modeling of protein sequence and biophysical properties (such as structural, functional, and spatial information, amino acid conservation, physicochemical variation, residue mobility, and thermodynamic stability) indicates that this missense variant is not expected to disrupt MITF protein function with a negative predictive value of 80%. In summary, the available evidence is currently insufficient to determine the role of this variant in disease. Therefore, it has been classified as a Variant of Uncertain Significance.

Ambry Genetics
Classification: Uncertain significance for Hereditary cancer-predisposing syndrome. Last evaluated: 2024-11-26. Review status: criteria provided, single submitter. Criteria: Ambry Variant Classification Scheme 2023. Collection method: clinical testing. Allele origin: germline.
Comment: The p.V386L variant (also known as c.1156G>C), located in coding exon 9 of the MITF gene, results from a G to C substitution at nucleotide position 1156. The valine at codon 386 is replaced by leucine, an amino acid with highly similar properties. This amino acid position is conserved. In addition, this alteration is predicted to be tolerated by in silico analysis. Based on the available evidence, the clinical significance of this variant remains unclear.

GeneDx
Classification: Uncertain significance. Last evaluated: 2023-10-24. Review status: criteria provided, single submitter. Criteria: GeneDx Variant Classification Process June 2021. Collection method: clinical testing. Allele origin: germline. Affected: yes.
Comment: In silico analysis supports that this missense variant does not alter protein structure/function; Has not been previously published as pathogenic or benign to our knowledge

Blueprint Genetics
Classification: Uncertain significance. Last evaluated: 2020-11-13. Review status: criteria provided, single submitter. Criteria: ACMG Guidelines, 2015. Collection method: clinical testing. Allele origin: germline.

NM_001354604.2(MITF):c.1477G>C (p.Val493Leu)

Gene: MITF (melanocyte inducing transcription factor; plus strand). Cytogenetic location: 3p13.
Variant type: single nucleotide variant.
Coding change: c.1477G>C on transcript NM_001354604.2 (MANE Select); coding-DNA position 1477, G replaced by C.
Protein change: p.Val493Leu; replaces valine 493 with leucine.
Molecular consequence: missense variant.
Genome position (GRCh38, 1-based): chr3:69,965,144, G>C. VCF-style: chr3-69965144-G-C. GRCh37 (hg19) VCF-style: chr3-70014295-G-C.
Other names: c.1156G>C, p.Val386Leu (NM_000248.4); c.1303G>C, p.Val435Leu (NM_001184967.2, NM_001354608.2); c.1474G>C, p.Val492Leu (NM_001354605.2); c.1456G>C, p.Val486Leu (NM_001354606.2, NM_006722.3); c.1408G>C, p.Val470Leu (NM_001354607.2); c.1138G>C, p.Val380Leu (NM_198158.3); c.1459G>C, p.Val487Leu (NM_198159.3); c.1411G>C, p.Val471Leu (NM_198177.3); and 1 more; short protein forms V493L, V487L, V380L, V435L, V471L, V486L, V324L, V386L.
Identifiers: ClinVar variation 1973732 (VCV001973732.8), dbSNP rs756044021, ClinGen allele CA77003528.